The following is an entry in ClinVar:

ClinVar aggregate classification (germline): Uncertain significance (1 of 4 stars; one submission).

Conditions:
Hereditary cancer-predisposing syndrome. Also called: Neoplastic Syndromes, Hereditary; Tumor predisposition; Hereditary Cancer Syndrome; Hereditary neoplastic syndrome. Identifiers: Orphanet 140162, MedGen C0027672, MeSH D009386, MONDO:0015356.

Submission:

Ambry Genetics
Classification: Uncertain significance for Hereditary cancer-predisposing syndrome. Last evaluated: 2026-04-29. Review status: criteria provided, single submitter. Criteria: Ambry Variant Classification Scheme 2023. Collection method: clinical testing. Allele origin: germline.
Comment: The p.V184I variant (also known as c.550G>A), located in coding exon 5 of the TSC2 gene, results from a G to A substitution at nucleotide position 550. The valine at codon 184 is replaced by isoleucine, an amino acid with highly similar properties. This amino acid position is well conserved in available vertebrate species. In addition, the in silico prediction for this alteration is inconclusive. Based on the available evidence, the clinical significance of this variant remains unclear.

NM_000548.5(TSC2):c.550G>A (p.Val184Ile)

Gene: TSC2 (TSC complex subunit 2; plus strand). Cytogenetic location: 16p13.3.
Variant type: single nucleotide variant.
Coding change: c.550G>A on transcript NM_000548.5 (MANE Select); coding-DNA position 550, G replaced by A.
Protein change: p.Val184Ile; replaces valine 184 with isoleucine.
Molecular consequence: missense variant. On other transcripts: 5 prime UTR variant (13), non-coding transcript variant (5), intron variant (6).
Genome position (GRCh38, 1-based): chr16:2,055,470, G>A. VCF-style: chr16-2055470-G-A. GRCh37 (hg19) VCF-style: chr16-2105471-G-A.
Other names: c.550G>A, p.Val184Ile (NM_001114382.3, NM_001363528.2, NM_001370404.1 and 8 more transcripts); c.439G>A, p.Val147Ile (NM_001318827.2, NM_001406670.1, NM_001406678.1); c.403G>A, p.Val135Ile (NM_001318829.2, NM_001406679.1, NM_001406675.1 and 1 more transcripts); c.583G>A, p.Val195Ile (NM_001318832.2); c.-267G>A (NM_001406680.1, NM_001406683.1, NM_001406687.1); c.88G>A, p.Val30Ile (NM_001406681.1); c.-882G>A (NM_001406689.1, NM_001406690.1, NM_001406691.1 and 2 more transcripts); c.-1098G>A (NM_001406693.1); and 6 more; short protein forms V135I, V147I, V165I, V184I, V195I, V214I, V30I.
Identifiers: ClinVar variation 4866099 (VCV004866099.1).